The following is an entry in ClinVar:

NM_032444.4(SLX4):c.4787A>C (p.Lys1596Thr)

Gene: SLX4 (SLX4 structure-specific endonuclease subunit; minus strand). Cytogenetic location: 16p13.3.
Variant type: single nucleotide variant.
Coding change: c.4787A>C on transcript NM_032444.4 (MANE Select); coding-DNA position 4787, A replaced by C.
Protein change: p.Lys1596Thr; replaces lysine 1596 with threonine.
Molecular consequence: missense variant.
Genome position (GRCh38, 1-based): chr16:3,583,463, T>G on the plus strand (A>C on the coding strand, the complement: SLX4 is on the minus strand). VCF-style: chr16-3583463-T-G. GRCh37 (hg19) VCF-style: chr16-3633464-T-G.
Other names: short protein forms K1596T.
Identifiers: ClinVar variation 1513164 (VCV001513164.6), dbSNP rs2151117092, ClinGen allele CA394515442.

ClinVar aggregate classification (germline): Uncertain significance (1 of 4 stars; one submission).

Conditions:
Fanconi anemia (FA). Also called: Fanconi's anemia. Identifiers: Orphanet 84, MedGen C0015625, MeSH D005199, MONDO:0019391.

gnomAD v4.1: 4 of 1,614,176 alleles (0.00025%); highest among the groups gnomAD compares: Non-Finnish European, 0.00034%; no homozygotes.

Submission:

Labcorp Genetics (formerly Invitae), Labcorp
Classification: Uncertain significance for Fanconi anemia. Last evaluated: 2024-06-21. Review status: criteria provided, single submitter. Criteria: Invitae Variant Classification Sherloc (09022015). Collection method: clinical testing. Allele origin: germline.
Comment: This sequence change replaces lysine, which is basic and polar, with threonine, which is neutral and polar, at codon 1596 of the SLX4 protein (p.Lys1596Thr). This variant is not present in population databases (gnomAD no frequency). This variant has not been reported in the literature in individuals affected with SLX4-related conditions. ClinVar contains an entry for this variant (Variation ID: 1513164). An algorithm developed to predict the effect of missense changes on protein structure and function (PolyPhen-2) suggests that this variant is likely to be disruptive. In summary, the available evidence is currently insufficient to determine the role of this variant in disease. Therefore, it has been classified as a Variant of Uncertain Significance.